The following is an entry in ClinVar:

ClinVar aggregate classification (germline): Uncertain significance. Review status: criteria provided, multiple submitters, no conflicts (2 of 4 stars). 2 submissions from 2 submitters: Uncertain significance (2). Last evaluated 2024-05-02.

gnomAD v4.1: 16 of 1,614,020 alleles (0.00099%); highest among the groups gnomAD compares: Middle Eastern, 0.016%; no homozygotes.

Submissions (2):

Women's Health and Genetics/Laboratory Corporation of America, LabCorp
Classification: Uncertain significance. Last evaluated: 2024-05-02. Review status: criteria provided, single submitter. Criteria: LabCorp Variant Classification Summary - May 2015. Collection method: clinical testing. Allele origin: germline.
Comment: Variant summary: VWF c.818G>A (p.Arg273Gln) results in a conservative amino acid change in the encoded protein sequence. Four of five in-silico tools predict a damaging effect of the variant on protein function. The variant allele was found at a frequency of 8e-06 in 251044 control chromosomes. The available data on variant occurrences in the general population are insufficient to allow any conclusion about variant significance. To our knowledge, no occurrence of c.818G>A in individuals affected with Von Willebrand Disease and no experimental evidence demonstrating its impact on protein function have been reported. A different variant affecting the same codon has been classified as pathogenic by our lab (c.817C>T, &same_codon_pdot&), supporting the critical relevance of codon 273 to VWF protein function. No submitters have cited clinical-significance assessments for this variant to ClinVar. Based on the evidence outlined above, the variant was classified as uncertain significance.

Quest Diagnostics Nichols Institute San Juan Capistrano
Classification: Uncertain significance. Last evaluated: 2023-12-19. Review status: criteria provided, single submitter. Criteria: Quest Diagnostics criteria. Collection method: clinical testing. Allele origin: unknown.
Comment: The VWF c.818G>A (p.Arg273Gln) variant has not been reported in individuals with VWF-related conditions in the published literature. The frequency of this variant in the general population, 0.000008 (2/251044 chromosomes (Genome Aggregation Database)), is uninformative in the assessment of its pathogenicity. Analysis of this variant using bioinformatics tools for the prediction of the effect of amino acid changes on protein structure and function yielded conflicting predictions that this variant is benign or damaging. Based on the available information, we are unable to determine the clinical significance of this variant.

NM_000552.5(VWF):c.818G>A (p.Arg273Gln)

Gene: VWF (von Willebrand factor; minus strand). Cytogenetic location: 12p13.31.
Variant type: single nucleotide variant.
Coding change: c.818G>A on transcript NM_000552.5 (MANE Select); coding-DNA position 818, G replaced by A.
Protein change: p.Arg273Gln; replaces arginine 273 with glutamine.
Molecular consequence: missense variant.
Genome position (GRCh38, 1-based): chr12:6,075,391, C>T on the plus strand (G>A on the coding strand, the complement: VWF is on the minus strand). VCF-style: chr12-6075391-C-T. GRCh37 (hg19) VCF-style: chr12-6184557-C-T.
Other names: c.818G>A (NM_000552.4); short protein forms R273Q.
Identifiers: ClinVar variation 3336255 (VCV003336255.2).
Genomic context (GRCh38, chr12:6,075,391, plus strand): 5'-TTACTGCACGCGCTGTGGTCGGTCCAGCCGTACAGCACCATTCCCTCCTGGGCACAGGTC[C>T]GGGCGTACTCCAGGAGGGCAGGGCAGGCGCACTCCAGCCCCCCAGCACACTCACACAAAG-3'
Protein context (NP_000543.3, residues 263-283): CACPALLEYA[Arg273Gln]TCAQEGMVLY